The following is an entry in ClinVar:

NM_002718.5(PPP2R3A):c.2079G>A (p.Pro693=)

Gene: PPP2R3A (protein phosphatase 2 regulatory subunit B''alpha; plus strand). Cytogenetic location: 3q22.3.
Variant type: single nucleotide variant.
Coding change: c.2079G>A on transcript NM_002718.5 (MANE Select); coding-DNA position 2079, G replaced by A.
Protein change: p.Pro693=; no amino-acid change (proline 693 retained).
Molecular consequence: synonymous variant. On other transcripts: 5 prime UTR variant (1).
Genome position (GRCh38, 1-based): chr3:136,026,915, G>A. VCF-style: chr3-136026915-G-A. GRCh37 (hg19) VCF-style: chr3-135745757-G-A.
Other names: NC_000003.11:g.135745757G>A; c.-130G>A (NM_001190447.2); c.216G>A, p.Pro72= (NM_181897.3).
Identifiers: ClinVar variation 3034154 (VCV003034154.3), dbSNP rs145391296, ClinGen allele CA2630752.

ClinVar aggregate classification (germline): Benign (0 of 4 stars; one submission).

Conditions:
PPP2R3A-related disorder. Also called: PPP2R3A-related condition.

Allele frequency attached by ClinVar (database versions not stated): ExAC 0.00092; TOPMed 0.00344; ESP Exome Variant Server 0.00354; 1000 Genomes Project 30x 0.00406; 1000 Genomes Project 0.00439.
gnomAD v4.1: 903 of 1,613,168 alleles (0.056%); highest among the groups gnomAD compares: African/African-American, 1%; 5 homozygotes.

Submissions (3):

PreventionGenetics, part of Exact Sciences
Classification: Benign for PPP2R3A-related condition. Last evaluated: 2019-06-17. Review status: no assertion criteria provided. Collection method: clinical testing. Allele origin: germline.
Comment: This variant is classified as benign based on ACMG/AMP sequence variant interpretation guidelines (Richards et al. 2015 PMID: 25741868, with internal and published modifications).

Dr. Peter K. Rogan Lab, Western University
No classification provided (evidence only). Condition: Cervical cancer. Review status: no classification provided. Collection method: in vitro. Allele origin: not applicable. Functional consequence: skipped exon, retained intron. Not counted in ClinVar's aggregate classification.

Dr. Peter K. Rogan Lab, Western University
No classification provided (evidence only). Condition: Gastric cancer. Review status: no classification provided. Collection method: in vitro. Allele origin: not applicable. Functional consequence: retained intron. Not counted in ClinVar's aggregate classification.